The following is an entry in ClinVar:

ClinVar aggregate classification (germline): Likely benign. Review status: criteria provided, multiple submitters, no conflicts (2 of 4 stars). 3 submissions from 3 submitters: Likely benign (3). Last evaluated 2026-01-14.

Allele frequency attached by ClinVar (database versions not stated): 1000 Genomes Project 30x 0.00031; TOPMed 0.00034; gnomAD exomes 0.00035 and 0.00056; gnomAD 0.00037 and 0.00039; ExAC 0.00038.
gnomAD v4.1: 675 of 1,290,864 alleles (0.052%); highest among the groups gnomAD compares: Non-Finnish European, 0.064%; 1 homozygote.

Submissions (3):

Labcorp Genetics (formerly Invitae), Labcorp
Classification: Likely benign. Last evaluated: 2026-01-14. Review status: criteria provided, single submitter. Criteria: Invitae Variant Classification Sherloc (09022015). Collection method: clinical testing. Allele origin: germline.

CeGaT Center for Human Genetics Tuebingen
Classification: Likely benign. Last evaluated: 2025-12-01. Review status: criteria provided, single submitter. Criteria: CeGaT Center For Human Genetics Tuebingen Variant Classification Criteria Version 2. Collection method: clinical testing. Allele origin: germline. Affected: yes. Observed: 1 variant allele.
Comment: COL27A1: BP4, BP7

Blueprint Genetics
Classification: Likely benign. Last evaluated: 2024-04-08. Review status: criteria provided, single submitter. Criteria: ACMG Guidelines, 2015. Collection method: clinical testing. Allele origin: germline.

NM_032888.4(COL27A1):c.36A>G (p.Thr12=)

Gene: COL27A1 (collagen type XXVII alpha 1 chain; plus strand). Cytogenetic location: 9q32.
Variant type: single nucleotide variant.
Coding change: c.36A>G on transcript NM_032888.4 (MANE Select); coding-DNA position 36, A replaced by G.
Protein change: p.Thr12=; no amino-acid change (threonine 12 retained).
Molecular consequence: synonymous variant.
Genome position (GRCh38, 1-based): chr9:114,155,986, A>G. VCF-style: chr9-114155986-A-G. GRCh37 (hg19) VCF-style: chr9-116918266-A-G.
Identifiers: ClinVar variation 764126 (VCV000764126.17), dbSNP rs982589829, ClinGen allele CA5200975.